The following is an entry in ClinVar:

ClinVar aggregate classification (germline): Pathogenic/Likely pathogenic. Review status: criteria provided, multiple submitters, no conflicts (2 of 4 stars). 3 submissions from 3 submitters: Pathogenic (1); Likely pathogenic (2). Last evaluated 2024-09-26.

Conditions:
Hereditary cancer-predisposing syndrome. Also called: Tumor predisposition; Hereditary Cancer Syndrome; Hereditary neoplastic syndrome; Neoplastic Syndromes, Hereditary. Identifiers: Orphanet 140162, MedGen C0027672, MeSH D009386, MONDO:0015356.
Hereditary nonpolyposis colorectal neoplasms. Identifiers: MedGen C0009405, MeSH D003123.

Submissions (3):

Ambry Genetics
Classification: Pathogenic for Hereditary cancer-predisposing syndrome. Last evaluated: 2024-09-26. Review status: criteria provided, single submitter. Criteria: Ambry Variant Classification Scheme 2023. Collection method: clinical testing. Allele origin: germline.
Comment: The c.2302_2304delCCT pathogenic mutation (also known as p.P768del) is located in coding exon 4 of the MSH6 gene. This variant results from an in-frame CCT deletion between nucleotide positions 2302 and 2304. The proline at codon 768 is deleted. This mutation has been reported in multiple families who met either Bethesda guidelines or Amsterdam criteria, with several individuals with concordant tumor immunohistochemistry (IHC) data showing loss of MSH6 expression (Sjursen W et al. J. Med. Genet. 2010 Sep; 47(9):579-85; Lagerstedt Robinson K et al. J. Natl. Cancer Inst. 2007 Feb; 99(4):291-9). This mutation has also been shown to co-segregate with disease in several affected individuals from two unrelated families (personal communication, Ambry internal data). This amino acid position is located in an allosteric region and is required to allow flexibility in the region (Warren JJ et al. Mol. Cell 2007 May; 26(4):579-92). This variant was not reported in population-based cohorts in the Genome Aggregation Database (gnomAD). This amino acid position is well conserved in available vertebrate species. In addition, this alteration is predicted to be deleterious by in silico analysis (Choi Y et al. PLoS ONE 2012;7(10):e46688). Based on the supporting evidence, this alteration is interpreted as a disease-causing mutation.

Labcorp Genetics (formerly Invitae), Labcorp
Classification: Likely pathogenic for Hereditary nonpolyposis colorectal neoplasms. Last evaluated: 2024-05-11. Review status: criteria provided, single submitter. Criteria: Invitae Variant Classification Sherloc (09022015). Collection method: clinical testing. Allele origin: germline.
Comment: This variant, c.2302_2304del, results in the deletion of 1 amino acid(s) of the MSH6 protein (p.Pro768del), but otherwise preserves the integrity of the reading frame. This variant is not present in population databases (gnomAD no frequency). This variant has been observed in individuals with Lynch syndrome or clinical features of Lynch syndrome (PMID: 17312306, 20587412, 27601186, 28944238; externalcommunication). This variant is also known as c.2303delCCT. ClinVar contains an entry for this variant (Variation ID: 89266). Experimental studies and prediction algorithms are not available or were not evaluated, and the functional significance of this variant is currently unknown. In summary, the currently available evidence indicates that the variant is pathogenic, but additional data are needed to prove that conclusively. Therefore, this variant has been classified as Likely Pathogenic.

GeneDx
Classification: Likely pathogenic. Last evaluated: 2021-04-21. Review status: criteria provided, single submitter. Criteria: GeneDx Variant Classification Process June 2021. Collection method: clinical testing. Allele origin: germline. Affected: yes.
Comment: In-frame deletion of 1 amino acid in a non-repeat region; Observed in patients with Lynch-related cancers and tumor studies consistent with pathogenic variants in this gene (Lagerstedt-Robinson 2007, Nilbert 2009, Sjursen 2010, DeRycke 2017); Not observed in large population cohorts (Lek 2016); In silico analysis supports a deleterious effect on protein structure/function; This variant is associated with the following publications: (PMID: 20587412, 28944238, 18566915, 24689082, 17312306)

Literature cited by the submitters: PubMed 17312306 (cited by Ambry Genetics and Labcorp Genetics (formerly Invitae), Labcorp); PubMed 17531815 (cited by Ambry Genetics); PubMed 18566915 (cited by Ambry Genetics); PubMed 20587412 (cited by Ambry Genetics and Labcorp Genetics (formerly Invitae), Labcorp); PubMed 24689082 (cited by Ambry Genetics); PubMed 27601186 (cited by Labcorp Genetics (formerly Invitae), Labcorp); PubMed 28944238 (cited by Labcorp Genetics (formerly Invitae), Labcorp).

NM_000179.3(MSH6):c.2302_2304del (p.Pro768del)

Gene: MSH6 (mutS homolog 6; plus strand). Cytogenetic location: 2p16.3.
Variant type: Deletion.
Coding change: c.2302_2304del on transcript NM_000179.3 (MANE Select); coding-DNA positions 2302 to 2304, 3 bases deleted (CCT; older notation c.2302_2304delCCT).
Protein change: p.Pro768del; deletes proline 768.
Molecular consequence: inframe deletion.
Genome position (GRCh38, 1-based): chr2:47,800,285-47,800,287, CCT deleted; deleting any 3 consecutive bases within chr2:47,800,283-47,800,287 gives the same sequence; the c. name uses the placement nearest the transcript's 3' end. VCF-style (leftmost placement, unchanged base first): chr2-47800282-ACTC-A. GRCh37 (hg19) VCF-style: chr2-48027421-ACTC-A.
Other names: c.1912_1914del, p.Pro638del (NM_001281492.2); c.1396_1398del, p.Pro466del (NM_001281493.2, NM_001281494.2); c.2302_2304delCCT (NM_000179.2); short protein forms P638del, P466del.
Identifiers: ClinVar variation 89266 (VCV000089266.18), dbSNP rs63750647, ClinGen allele CA009988.
Genomic context (GRCh38, chr2:47,800,282, plus strand): 5'-CTGAATGGAACAAATGGTTCTACTGAAGGAACCCTACTAGAGAGGGTTGATACTTGCCAT[ACTC>A]CTTTTGGTAAGCGGCTCCTAAAGCAATGGCTTTGTGCCCCACTCTGTAACCATTATGCTA-3'